The following is an entry in ClinVar:

ClinVar aggregate classification (germline): Uncertain significance. Review status: criteria provided, multiple submitters, no conflicts (2 of 4 stars). 5 submissions from 5 submitters: Uncertain significance (3). 2 of the submissions do not count toward it. Last evaluated 2024-04-04.

Conditions:
Inborn genetic diseases. Identifiers: MedGen C0950123, MeSH D030342.
VPS13B-related disorder. Also called: VPS13B-related condition.
Cohen syndrome (COH1). Also called: PEPPER SYNDROME; Cutis verticis gyrata, retinitis pigmentosa, and sensorineural deafness. Identifiers: Orphanet 193, MedGen C0265223, MONDO:0008999, OMIM 216550.

Allele frequency attached by ClinVar (database versions not stated): TOPMed below 0.00001; gnomAD 0.00001; gnomAD exomes 0.00001; ExAC 0.00002; ESP Exome Variant Server 0.00008.
gnomAD v4.1: 10 of 1,613,346 alleles (0.00062%); highest among the groups gnomAD compares: Non-Finnish European, 0.00085%; no homozygotes.

Submissions (5):

Ambry Genetics
Classification: Uncertain significance for Inborn genetic diseases. Last evaluated: 2024-04-04. Review status: criteria provided, single submitter. Criteria: Ambry Variant Classification Scheme 2023. Collection method: clinical testing. Allele origin: germline.

Mayo Clinic Laboratories, Mayo Clinic
Classification: Uncertain significance. Last evaluated: 2022-12-19. Review status: criteria provided, single submitter. Criteria: ACMG Guidelines, 2015. Collection method: clinical testing. Allele origin: germline. Observed: 1 variant allele.
Comment: BP1

Labcorp Genetics (formerly Invitae), Labcorp
Classification: Uncertain significance for Cohen syndrome. Last evaluated: 2021-08-28. Review status: criteria provided, single submitter. Criteria: Invitae Variant Classification Sherloc (09022015). Collection method: clinical testing. Allele origin: germline.

PreventionGenetics, part of Exact Sciences
Classification: Uncertain significance for VPS13B-related condition. Last evaluated: 2024-03-29. Review status: no assertion criteria provided. Collection method: clinical testing. Allele origin: germline. Not counted in ClinVar's aggregate classification.
Comment: The VPS13B c.9192G>C variant is predicted to result in the amino acid substitution p.Gln3064His. To our knowledge, this variant has not been reported in the literature. This variant is reported in 0.0026% of alleles in individuals of European (Non-Finnish) descent in gnomAD. At this time, the clinical significance of this variant is uncertain due to the absence of conclusive functional and genetic evidence.

Natera, Inc.
Classification: Uncertain significance for Cohen syndrome. Last evaluated: 2020-07-22. Review status: no assertion criteria provided. Collection method: clinical testing. Allele origin: germline. Not counted in ClinVar's aggregate classification.

NM_152564.5(VPS13B):c.9192G>C (p.Gln3064His)

Gene: VPS13B (vacuolar protein sorting 13 homolog B; plus strand). Cytogenetic location: 8q22.2.
Variant type: single nucleotide variant.
Coding change: c.9192G>C on transcript NM_152564.5 (MANE Select); coding-DNA position 9192, G replaced by C.
Protein change: p.Gln3064His; replaces glutamine 3064 with histidine.
Molecular consequence: missense variant.
Genome position (GRCh38, 1-based): chr8:99,823,840, G>C. VCF-style: chr8-99823840-G-C. GRCh37 (hg19) VCF-style: chr8-100836068-G-C.
Other names: p.Gln3089His; c.9192G>C (NM_152564.4); c.9267G>C (NM_017890.3); c.9267G>C, p.Gln3089His (NM_017890.5); short protein forms Q3064H, Q3089H.
Identifiers: ClinVar variation 942575 (VCV000942575.10), dbSNP rs376291996, ClinGen allele CA4824648.